The following is an entry in ClinVar:

NM_152490.5(B3GALNT2):c.81G>T (p.Pro27=)

Gene: B3GALNT2 (beta-1,3-N-acetylgalactosaminyltransferase 2; minus strand). Cytogenetic location: 1q42.3.
Variant type: single nucleotide variant.
Coding change: c.81G>T on transcript NM_152490.5 (MANE Select); coding-DNA position 81, G replaced by T.
Protein change: p.Pro27=; no amino-acid change (proline 27 retained).
Molecular consequence: synonymous variant.
Genome position (GRCh38, 1-based): chr1:235,504,172, C>A on the plus strand (G>T on the coding strand, the complement: B3GALNT2 is on the minus strand). VCF-style: chr1-235504172-C-A. GRCh37 (hg19) VCF-style: chr1-235667472-C-A.
Other names: c.81G>T, p.Pro27= (NM_001277155.3).
Identifiers: ClinVar variation 385271 (VCV000385271.28), dbSNP rs766891631, ClinGen allele CA1465032.

ClinVar aggregate classification (germline): Likely benign. Review status: criteria provided, multiple submitters, no conflicts (2 of 4 stars). 6 submissions from 6 submitters: Likely benign (5). 1 of the submissions does not count toward it. Last evaluated 2026-09-01.

Conditions:
Muscular dystrophy-dystroglycanopathy (congenital with brain and eye anomalies), type a, 11 (MDDGA11). Also called: WALKER-WARBURG SYNDROME OR MUSCLE-EYE-BRAIN DISEASE, B3GALNT2-RELATED; Muscular dystrophy-dystroglycanopathy (congenital with brain and eye anomalies, type A, 11; Congenital muscular dystrophy-dystroglycanopathy with brain and eye anomalies, type A11. Identifiers: Orphanet 588, Orphanet 899, MedGen C3554638, MONDO:0014071, OMIM 615181.
B3GALNT2-related disorder. Also called: B3GALNT2-related condition.

Allele frequency attached by ClinVar (database versions not stated): ExAC below 0.00001; TOPMed 0.00023; gnomAD 0.00024 and 0.00026; gnomAD exomes 0.00079.
gnomAD v4.1: 307 of 1,297,592 alleles (0.024%); highest among the groups gnomAD compares: Non-Finnish European, 0.028%; no homozygotes.

Submissions (6):

CeGaT Center for Human Genetics Tuebingen
Classification: Likely benign. Last evaluated: 2026-09-01. Review status: criteria provided, single submitter. Criteria: CeGaT Center For Human Genetics Tuebingen Variant Classification Criteria Version 2. Collection method: clinical testing. Allele origin: germline. Affected: yes. Observed: 2 variant alleles.
Comment: B3GALNT2: BP4, BP7

Labcorp Genetics (formerly Invitae), Labcorp
Classification: Likely benign for Muscular dystrophy-dystroglycanopathy (congenital with brain and eye anomalies), type a, 11. Last evaluated: 2026-02-01. Review status: criteria provided, single submitter. Criteria: Invitae Variant Classification Sherloc (09022015). Collection method: clinical testing. Allele origin: germline.

Blueprint Genetics
Classification: Likely benign. Last evaluated: 2024-10-11. Review status: criteria provided, single submitter. Criteria: ACMG Guidelines, 2015. Collection method: clinical testing. Allele origin: germline.

GeneDx
Classification: Likely benign. Last evaluated: 2018-05-23. Review status: criteria provided, single submitter. Criteria: GeneDx Variant Classification Process June 2021. Collection method: clinical testing. Allele origin: germline. Affected: yes.

Genetic Services Laboratory, University of Chicago
Classification: Likely benign. Last evaluated: 2016-10-11. Review status: criteria provided, single submitter. Criteria: ACMG Guidelines, 2015. Collection method: clinical testing. Allele origin: germline. Affected: no.

PreventionGenetics, part of Exact Sciences
Classification: Likely benign for B3GALNT2-related condition. Last evaluated: 2023-07-27. Review status: no assertion criteria provided. Collection method: clinical testing. Allele origin: germline. Not counted in ClinVar's aggregate classification.
Comment: This variant is classified as likely benign based on ACMG/AMP sequence variant interpretation guidelines (Richards et al. 2015 PMID: 25741868, with internal and published modifications).